The following is an entry in ClinVar:

ClinVar aggregate classification (germline): Pathogenic (3 of 4 stars; one submission).

Conditions:
Hereditary thrombocytopenia and hematologic cancer predisposition syndrome. Identifiers: Orphanet 71290, MedGen CN281654, MONDO:0011071.

Submission:

ClinGen Myeloid Malignancy Variant Curation Expert Panel
Classification: Pathogenic for Hereditary thrombocytopenia and hematologic cancer predisposition syndrome. Last evaluated: 2023-12-09. Review status: reviewed by expert panel. Criteria: ClinGen MyeloMalig ACMG Specifications v2. Collection method: curation. Allele origin: germline. Inheritance: Autosomal dominant inheritance.
Comment: This is a full gene deletion and is classified as pathogenic according to the PVS1 CNV decision tree (PVS1). This variant is completely absent from all population databases with at least 20x coverage for RUNX1 in gnomAD v2.1.1 and v3.1.2 (PM2_supporting). In summary, this variant meets criteria to be classified as pathogenic. ACMG/AMP criteria applied, as specified by the Myeloid Malignancy Variant Curation Expert Panel for RUNX1: PVS1, PM2_supporting.

NC_000021.8:g.(?_36171588)_(36421595_?)del

Gene: RUNX1 (RUNX family transcription factor 1; minus strand). Cytogenetic location: 21q22.12.
Variant type: Deletion.
Other names: NC_000021.9:g.(?_34799291)_(35049298_?)del.
Identifiers: ClinVar variation 2665097 (VCV002665097.2).